The following is an entry in ClinVar:

ClinVar aggregate classification (germline): Uncertain significance (1 of 4 stars; one submission).

gnomAD v4.1: 1 of 1,613,870 alleles (0.000062%); highest among the groups gnomAD compares: Admixed American, 0.0017%; no homozygotes.

Submission:

Labcorp Genetics (formerly Invitae), Labcorp
Classification: Uncertain significance. Last evaluated: 2025-05-13. Review status: criteria provided, single submitter. Criteria: Invitae Variant Classification Sherloc (09022015). Collection method: clinical testing. Allele origin: germline.
Comment: This sequence change falls in intron 9 of the SMAD2 gene. It does not directly change the encoded amino acid sequence of the SMAD2 protein. It affects a nucleotide within the consensus splice site. This variant is present in population databases (no rsID available, gnomAD 0.003%). This variant has not been reported in the literature in individuals affected with SMAD2-related conditions. Variants that disrupt the consensus splice site are a relatively common cause of aberrant splicing (PMID: 17576681, 9536098). Algorithms developed to predict the effect of sequence changes on RNA splicing suggest that this variant may disrupt the consensus splice site. In summary, the available evidence is currently insufficient to determine the role of this variant in disease. Therefore, it has been classified as a Variant of Uncertain Significance.

Literature cited by the submitters: PubMed 17576681; PubMed 9536098.

NM_005901.6(SMAD2):c.1135+3A>T

Gene: SMAD2 (SMAD family member 2; minus strand). Cytogenetic location: 18q21.1.
Variant type: single nucleotide variant.
Coding change: c.1135+3A>T on transcript NM_005901.6 (MANE Select); 3 bases into the intron after coding-DNA position 1135, A replaced by T.
Molecular consequence: intron variant.
Genome position (GRCh38, 1-based): chr18:47,845,660, T>A on the plus strand (A>T on the coding strand, the complement: SMAD2 is on the minus strand). VCF-style: chr18-47845660-T-A. GRCh37 (hg19) VCF-style: chr18-45372031-T-A.
Other names: c.1045+3A>T (NM_001135937.3); c.1135+3A>T (NM_001003652.4).
Identifiers: ClinVar variation 4767366 (VCV004767366.1).